The following is an entry in ClinVar:

NM_014053.4(FLVCR1):c.*339T>G

Gene: FLVCR1 (FLVCR choline and heme transporter 1; plus strand). Cytogenetic location: 1q32.3.
Variant type: single nucleotide variant.
Coding change: c.*339T>G on transcript NM_014053.4 (MANE Select); 339 bases downstream of the stop codon, T replaced by G.
Molecular consequence: 3 prime UTR variant.
Genome position (GRCh38, 1-based): chr1:212,895,629, T>G. VCF-style: chr1-212895629-T-G. GRCh37 (hg19) VCF-style: chr1-213068971-T-G.
Identifiers: ClinVar variation 295332 (VCV000295332.6), dbSNP rs12074192, ClinGen allele CA10609080.

ClinVar aggregate classification (germline): Benign. Review status: criteria provided, multiple submitters, no conflicts (2 of 4 stars). 2 submissions from 2 submitters: Benign (2). Last evaluated 2018-01-13.

Conditions:
Posterior column ataxia-retinitis pigmentosa syndrome (RETSNS). Also called: RETINOPATHY-SENSORY NEUROPATHY SYNDROME. Identifiers: Orphanet 88628, MedGen C1836916, MONDO:0012177, OMIM 609033.

Allele frequency attached by ClinVar (database versions not stated): gnomAD 0.60505 and 0.61653; 1000 Genomes Project 30x 0.65490; gnomAD exomes 0.70363; 1000 Genomes Project 0.66374; TOPMed 0.60995.
gnomAD v4.1: 228,212 of 342,978 alleles (67%); highest among the groups gnomAD compares: East Asian, 92%; 78,838 homozygotes.

Submissions (2):

Illumina Laboratory Services, Illumina
Classification: Benign for Posterior column ataxia-retinitis pigmentosa syndrome. Last evaluated: 2018-01-13. Review status: criteria provided, single submitter. Criteria: ICSL Variant Classification Criteria 13 December 2019. Collection method: clinical testing. Allele origin: germline.
Comment: This variant was observed in the ICSL laboratory as part of a predisposition screen in an ostensibly healthy population. It had not been previously curated by ICSL or reported in the Human Gene Mutation Database (HGMD: prior to June 1st, 2018), and was therefore a candidate for classification through an automated scoring system. Utilizing variant allele frequency, disease prevalence and penetrance estimates, and inheritance mode, an automated score was calculated to assess if this variant is too frequent to cause the disease. Based on the score and internal cut-off values, a variant classified as benign is not then subjected to further curation. The score for this variant resulted in a classification of benign for this disease.

Breakthrough Genomics
Classification: Benign. Review status: criteria provided, single submitter. Criteria: ACMG Guidelines, 2015. Collection method: not provided. Allele origin: germline. Inheritance: Autosomal recessive inheritance. Affected: yes.